The following is an entry in ClinVar:

NM_170606.3(KMT2C):c.251-11C>T

Gene: KMT2C (lysine methyltransferase 2C; minus strand). Cytogenetic location: 7q36.1.
Variant type: single nucleotide variant.
Coding change: c.251-11C>T on transcript NM_170606.3 (MANE Select); 11 bases into the intron before coding-DNA position 251, C replaced by T.
Molecular consequence: intron variant.
Genome position (GRCh38, 1-based): chr7:152,330,750, G>A on the plus strand (C>T on the coding strand, the complement: KMT2C is on the minus strand). VCF-style: chr7-152330750-G-A. GRCh37 (hg19) VCF-style: chr7-152027835-G-A.
Identifiers: ClinVar variation 4692827 (VCV004692827.5).

ClinVar aggregate classification (germline): Likely benign. Review status: criteria provided, multiple submitters, no conflicts (2 of 4 stars). 2 submissions from 2 submitters: Likely benign (2). Last evaluated 2026-02-01.

gnomAD v4.1: 129 of 1,611,836 alleles (0.008%); highest among the groups gnomAD compares: Non-Finnish European, 0.01%; no homozygotes.

Submissions (2):

CeGaT Center for Human Genetics Tuebingen
Classification: Likely benign. Last evaluated: 2026-02-01. Review status: criteria provided, single submitter. Criteria: CeGaT Center For Human Genetics Tuebingen Variant Classification Criteria Version 2. Collection method: clinical testing. Allele origin: germline. Affected: yes. Observed: 1 variant allele.
Comment: KMT2C: BP4

Labcorp Genetics (formerly Invitae), Labcorp
Classification: Likely benign. Last evaluated: 2025-08-11. Review status: criteria provided, single submitter. Criteria: Invitae Variant Classification Sherloc (09022015). Collection method: clinical testing. Allele origin: germline.